The following is an entry in ClinVar:

NM_001258392.3(CLPB):c.646+6T>C

Gene: CLPB (ClpB family mitochondrial disaggregase; minus strand). Cytogenetic location: 11q13.4.
Variant type: single nucleotide variant.
Coding change: c.646+6T>C on transcript NM_001258392.3 (MANE Select); 6 bases into the intron after coding-DNA position 646, T replaced by C.
Molecular consequence: intron variant.
Genome position (GRCh38, 1-based): chr11:72,380,275, A>G on the plus strand (T>C on the coding strand, the complement: CLPB is on the minus strand). VCF-style: chr11-72380275-A-G. GRCh37 (hg19) VCF-style: chr11-72091319-A-G.
Other names: c.559+6T>C (NM_001258393.3); c.646+6T>C (NM_030813.6); c.511+6T>C (NM_001258394.3).
Identifiers: ClinVar variation 570992 (VCV000570992.12), dbSNP rs374982363, ClinGen allele CA6171503.

ClinVar aggregate classification (germline): Conflicting classifications of pathogenicity. Review status: criteria provided, conflicting classifications (1 of 4 stars). 3 submissions from 3 submitters: Uncertain significance (1); Likely benign (1). 1 of the submissions does not count toward it. Last evaluated 2025-06-17.

Conditions:
CLPB-related disorder. Also called: CLPB-related condition.
3-methylglutaconic aciduria, type VIIB (MGCA7B). Also called: 3-methylglutaconic aciduria with cataracts, neurologic involvement and neutropenia; CLPB Deficiency; 3-methylglutaconic aciduria, type VII, with cataracts, neurologic involvement and neutropenia. Identifiers: Orphanet 445038, MedGen C5676893, MONDO:0014561, OMIM 616271.

Allele frequency attached by ClinVar (database versions not stated): gnomAD exomes 0.00003 and 0.00008; ExAC 0.00011; gnomAD 0.00027 and 0.00029; ESP Exome Variant Server 0.00031; TOPMed 0.00032; 1000 Genomes Project 0.00040; 1000 Genomes Project 30x 0.00047.
gnomAD v4.1: 89 of 1,608,316 alleles (0.0055%); highest among the groups gnomAD compares: African/African-American, 0.11%; no homozygotes.

Submissions (3):

Labcorp Genetics (formerly Invitae), Labcorp
Classification: Uncertain significance for 3-methylglutaconic aciduria, type VIIB. Last evaluated: 2025-06-17. Review status: criteria provided, single submitter. Criteria: Invitae Variant Classification Sherloc (09022015). Collection method: clinical testing. Allele origin: germline.
Comment: This sequence change falls in intron 4 of the CLPB gene. It does not directly change the encoded amino acid sequence of the CLPB protein. It affects a nucleotide within the consensus splice site. This variant is present in population databases (rs374982363, gnomAD 0.1%). This variant has not been reported in the literature in individuals affected with CLPB-related conditions. ClinVar contains an entry for this variant (Variation ID: 570992). Variants that disrupt the consensus splice site are a relatively common cause of aberrant splicing (PMID: 17576681, 9536098). Algorithms developed to predict the effect of sequence changes on RNA splicing suggest that this variant is not likely to affect RNA splicing. In summary, the available evidence is currently insufficient to determine the role of this variant in disease. Therefore, it has been classified as a Variant of Uncertain Significance.

Blueprint Genetics
Classification: Likely benign. Last evaluated: 2022-10-28. Review status: criteria provided, single submitter. Criteria: ACMG Guidelines, 2015. Collection method: clinical testing. Allele origin: germline.

PreventionGenetics, part of Exact Sciences
Classification: Likely benign for CLPB-related condition. Last evaluated: 2019-12-11. Review status: no assertion criteria provided. Collection method: clinical testing. Allele origin: germline. Not counted in ClinVar's aggregate classification.
Comment: This variant is classified as likely benign based on ACMG/AMP sequence variant interpretation guidelines (Richards et al. 2015 PMID: 25741868, with internal and published modifications).

Literature cited by the submitters: PubMed 17576681 (cited by Labcorp Genetics (formerly Invitae), Labcorp); PubMed 9536098 (cited by Labcorp Genetics (formerly Invitae), Labcorp).